The following is an entry in ClinVar:

ClinVar aggregate classification (germline): Benign/Likely benign. Review status: criteria provided, multiple submitters, no conflicts (2 of 4 stars). 5 submissions from 5 submitters: Benign (2); Likely benign (3). Last evaluated 2025-08-12.

Conditions:
Inborn genetic diseases. Identifiers: MedGen C0950123, MeSH D030342.
Treacher Collins syndrome 1 (TCS1). Also called: TCOF1-Related Treacher Collins Syndrome. Identifiers: Orphanet 861, MedGen CN315775, MONDO:0007944, OMIM 154500.

Allele frequency attached by ClinVar (database versions not stated): gnomAD exomes 0.00006 and 0.00019; ExAC 0.00017; ESP Exome Variant Server 0.00054; 1000 Genomes Project 30x 0.00062; gnomAD 0.00067 and 0.00074; TOPMed 0.00077; 1000 Genomes Project 0.00080.
gnomAD v4.1: 209 of 1,614,232 alleles (0.013%); highest among the groups gnomAD compares: African/African-American, 0.25%; no homozygotes.

Submissions (5):

Labcorp Genetics (formerly Invitae), Labcorp
Classification: Likely benign for Treacher Collins syndrome 1. Last evaluated: 2025-08-12. Review status: criteria provided, single submitter. Criteria: Invitae Variant Classification Sherloc (09022015). Collection method: clinical testing. Allele origin: germline.

Ambry Genetics
Classification: Likely benign for Inborn genetic diseases. Last evaluated: 2024-06-11. Review status: criteria provided, single submitter. Criteria: Ambry Variant Classification Scheme 2023. Collection method: clinical testing. Allele origin: germline.

Blueprint Genetics
Classification: Likely benign. Last evaluated: 2023-03-15. Review status: criteria provided, single submitter. Criteria: ACMG Guidelines, 2015. Collection method: clinical testing. Allele origin: germline.

CeGaT Center for Human Genetics Tuebingen
Classification: Benign. Last evaluated: 2022-09-01. Review status: criteria provided, single submitter. Criteria: CeGaT Center For Human Genetics Tuebingen Variant Classification Criteria Version 2. Collection method: clinical testing. Allele origin: germline. Affected: yes. Observed: 1 variant allele.
Comment: TCOF1: BS1, BS2

GeneDx
Classification: Benign. Last evaluated: 2020-01-10. Review status: criteria provided, single submitter. Criteria: GeneDx Variant Classification Process June 2021. Collection method: clinical testing. Allele origin: germline. Affected: yes.

NM_001371623.1(TCOF1):c.1723A>G (p.Ile575Val)

Gene: TCOF1 (treacle ribosome biogenesis factor 1; plus strand). Cytogenetic location: 5q32.
Variant type: single nucleotide variant.
Coding change: c.1723A>G on transcript NM_001371623.1 (MANE Select); coding-DNA position 1723, A replaced by G.
Protein change: p.Ile575Val; replaces isoleucine 575 with valine.
Molecular consequence: missense variant.
Genome position (GRCh38, 1-based): chr5:150,375,739, A>G. VCF-style: chr5-150375739-A-G. GRCh37 (hg19) VCF-style: chr5-149755302-A-G.
Other names: c.1492A>G, p.Ile498Val (NM_000356.4, NM_001135245.2); c.1723A>G, p.Ile575Val (NM_001008657.3, NM_001135243.2, NM_001135244.2 and 1 more transcripts); short protein forms I498V, I575V.
Identifiers: ClinVar variation 774140 (VCV000774140.36), dbSNP rs35918007, ClinGen allele CA3510986.
Genomic context (GRCh38, chr5:150,375,739, plus strand): 5'-TACCCTGGGCTCCCTCTCCCGATCCTGTGTATCTCACTCCAGGAAAAGTCCTTGGGGAAC[A>G]TCCTCCAGGCCAAACCCACCTCCAGTCCTGCCAAGGGGCCCCCTCAGAAGGCAGGGCCTG-3'
Protein context (NP_001358552.1, residues 565-585): APAQEKSLGN[Ile575Val]LQAKPTSSPA